The following is an entry in ClinVar:

NM_001283009.2(RTEL1):c.3736G>A (p.Gly1246Ser)

Genes: RTEL1 (regulator of telomere elongation helicase 1; plus strand), RTEL1-TNFRSF6B (RTEL1-TNFRSF6B readthrough (NMD candidate); plus strand). Cytogenetic location: 20q13.33.
Variant type: single nucleotide variant.
Coding change: c.3736G>A on transcript NM_001283009.2 (MANE Select); coding-DNA position 3736, G replaced by A.
Protein change: p.Gly1246Ser; replaces glycine 1246 with serine.
Molecular consequence: missense variant. On other transcripts: non-coding transcript variant (1), intron variant (3).
Genome position (GRCh38, 1-based): chr20:63,695,564, G>A. VCF-style: chr20-63695564-G-A. GRCh37 (hg19) VCF-style: chr20-62326917-G-A.
Other names: c.2983+84G>A (NM_001283010.1); c.3724+84G>A (NM_032957.5); c.3652+84G>A (NM_016434.4); short protein forms G1246S.
Identifiers: ClinVar variation 1357893 (VCV001357893.8), dbSNP rs2145480651, ClinGen allele CA409686603.

ClinVar aggregate classification (germline): Uncertain significance (1 of 4 stars; one submission).

Conditions:
Dyskeratosis congenita, autosomal recessive 5 (DKCB5). Identifiers: MedGen C3554656, MONDO:0014076, OMIM 615190.
Pulmonary fibrosis and/or bone marrow failure, Telomere-related, 3. Also called: PULMONARY FIBROSIS AND/OR BONE MARROW FAILURE SYNDROME, TELOMERE-RELATED, 3. Identifiers: Orphanet 2032, MedGen C4225346, MONDO:0014613, OMIM 616373.

Submission:

Labcorp Genetics (formerly Invitae), Labcorp
Classification: Uncertain significance for Dyskeratosis congenita, autosomal recessive 5; Pulmonary fibrosis and/or bone marrow failure, Telomere-related, 3. Last evaluated: 2021-06-05. Review status: criteria provided, single submitter. Criteria: Invitae Variant Classification Sherloc (09022015). Collection method: clinical testing. Allele origin: germline.
Comment: This sequence change replaces glycine with serine at codon 1246 of the RTEL1 protein (p.Gly1246Ser). The glycine residue is weakly conserved and there is a small physicochemical difference between glycine and serine. This variant is not present in population databases (ExAC no frequency). This variant has not been reported in the literature in individuals with RTEL1-related conditions. Algorithms developed to predict the effect of missense changes on protein structure and function are either unavailable or do not agree on the potential impact of this missense change (SIFT: "Tolerated"; PolyPhen-2: "Possibly Damaging"; Align-GVGD: "Class C0"). In summary, the available evidence is currently insufficient to determine the role of this variant in disease. Therefore, it has been classified as a Variant of Uncertain Significance.